The following is an entry in ClinVar:

ClinVar aggregate classification (germline): Uncertain significance. Review status: criteria provided, multiple submitters, no conflicts (2 of 4 stars). 2 submissions from 2 submitters: Uncertain significance (2). Last evaluated 2023-05-20.

Conditions:
Arthrogryposis- oculomotor limitation-electroretinal anomalies syndrome. Also called: ARTHROGRYPOSIS, DISTAL, TYPE 5; ARTHROGRYPOSIS WITH OCULOMOTOR LIMITATION AND ELECTRORETINAL ABNORMALITIES; ARTHROGRYPOSIS, DISTAL, TYPE IIB. Identifiers: Orphanet 1154, MedGen C1862472, MONDO:0007158, OMIM 108145.
Inborn genetic diseases. Identifiers: MedGen C0950123, MeSH D030342.

Allele frequency attached by ClinVar (database versions not stated): gnomAD exomes below 0.00001; ExAC 0.00001.
gnomAD v4.1: 7 of 1,614,206 alleles (0.00043%); highest among the groups gnomAD compares: South Asian, 0.0033%; no homozygotes.

Submissions (2):

Neuberg Centre For Genomic Medicine, NCGM
Classification: Uncertain significance for Arthrogryposis- oculomotor limitation-electroretinal anomalies syndrome. Last evaluated: 2023-05-20. Review status: criteria provided, single submitter. Criteria: ACMG Guidelines, 2015. Collection method: clinical testing. Allele origin: germline. Inheritance: Autosomal dominant inheritance. Affected: yes.
Comment: The observed variant c.7484G>A(p.Arg2495Gln) in PIEZO2 gene has not been reported previously as a pathogenic variant nor as a benign variant, to our knowledge. The c.7484G>A variant has 0.001% allele frequency in gnomAD Exomes. This variant has been submitted to the ClinVar database as Uncertain Significance. However, no details are available for independent assessment.The amino acid Arginine at position 2495 is changed to a Glutamine changing protein sequence and it might alter its composition and physico-chemical properties. Multiple lines of computational evidence (SIFT and Mutation Taster) predict a damaging effect on protein structure and function for this variant. The amino acid change p.Arg2495Gln in PIEZO2 is predicted as conserved by GERP++ and PhyloP across 100 vertebrates. For these reasons, this variant has been classified as Uncertain Significance.

Ambry Genetics
Classification: Uncertain significance for Inborn genetic diseases. Last evaluated: 2022-07-26. Review status: criteria provided, single submitter. Criteria: Ambry Variant Classification Scheme 2023. Collection method: clinical testing. Allele origin: germline.

NM_001378183.1(PIEZO2):c.7484G>A (p.Arg2495Gln)

Gene: PIEZO2 (piezo type mechanosensitive ion channel component 2; minus strand). Cytogenetic location: 18p11.22.
Variant type: single nucleotide variant.
Coding change: c.7484G>A on transcript NM_001378183.1 (MANE Select); coding-DNA position 7484, G replaced by A.
Protein change: p.Arg2495Gln; replaces arginine 2495 with glutamine.
Molecular consequence: missense variant.
Genome position (GRCh38, 1-based): chr18:10,689,668, C>T on the plus strand (G>A on the coding strand, the complement: PIEZO2 is on the minus strand). VCF-style: chr18-10689668-C-T. GRCh37 (hg19) VCF-style: chr18-10689666-C-T.
Other names: c.7220G>A, p.Arg2407Gln (NM_001410871.1); c.7145G>A, p.Arg2382Gln (NM_022068.4); short protein forms R2407Q, R2382Q, R2495Q.
Identifiers: ClinVar variation 2392555 (VCV002392555.3), dbSNP rs747466497, ClinGen allele CA8891964.